The following is an entry in ClinVar:

ClinVar aggregate classification (germline): Likely benign (0 of 4 stars; one submission).

Conditions:
PLPP6-related disorder. Also called: PLPP6-related condition.

Allele frequency attached by ClinVar (database versions not stated): 1000 Genomes Project 0.00040; 1000 Genomes Project 30x 0.00047; ExAC 0.00118; ESP Exome Variant Server 0.00131.
gnomAD v4.1: 2,129 of 1,610,956 alleles (0.13%); highest among the groups gnomAD compares: Non-Finnish European, 0.16%; 4 homozygotes.

Submission:

PreventionGenetics, part of Exact Sciences
Classification: Likely benign for PLPP6-related condition. Last evaluated: 2023-01-11. Review status: no assertion criteria provided. Collection method: clinical testing. Allele origin: germline.
Comment: This variant is classified as likely benign based on ACMG/AMP sequence variant interpretation guidelines (Richards et al. 2015 PMID: 25741868, with internal and published modifications).

NM_203453.5(PLPP6):c.554G>T (p.Gly185Val)

Genes: PLPP6 (phospholipid phosphatase 6; plus strand), SPATA6L (spermatogenesis associated 6 like; minus strand). Cytogenetic location: 9p24.1.
Variant type: single nucleotide variant.
Coding change: c.554G>T on transcript NM_203453.5 (MANE Select); coding-DNA position 554, G replaced by T.
Protein change: p.Gly185Val; replaces glycine 185 with valine.
Molecular consequence: missense variant. On other transcripts: intron variant (6).
Genome position (GRCh38, 1-based): chr9:4,662,929, G>T. VCF-style: chr9-4662929-G-T. GRCh37 (hg19) VCF-style: chr9-4662929-G-T.
Other names: c.40-893C>A (NM_001039395.4, NM_001353484.2, NM_001353486.2 and 2 more transcripts); c.-606-893C>A (NM_001353491.2); short protein forms G185V.
Identifiers: ClinVar variation 3041728 (VCV003041728.2), dbSNP rs149516642, ClinGen allele CA4970132.